The following is an entry in ClinVar:

ClinVar aggregate classification (germline): Uncertain significance (1 of 4 stars; one submission).

Conditions:
Intellectual developmental disorder with autistic features and language delay, with or without seizures. Identifiers: MedGen C5394447, MONDO:0030051, OMIM 618906.

Submission:

3billion
Classification: Uncertain significance for Intellectual developmental disorder with autistic features and language delay, with or without seizures. Last evaluated: 2024-11-15. Review status: criteria provided, single submitter. Criteria: ACMG Guidelines, 2015. Collection method: clinical testing. Allele origin: germline. Affected: yes.
Comment: The variant is not observed in the gnomAD v4.1.0 dataset. Predicted Consequence/Location: Missense variant. The majority of the known disease-causing variants of this gene are variants expected to result in premature termination of the protein. In silico tool predictions suggest damaging effect of the variant on gene or gene product [REVEL: 0.77 (>=0.6, sensitivity 0.68 and specificity 0.92)]. Therefore, this variant is classified as VUS according to the recommendation of ACMG/AMP guideline.

NM_001394998.1(TANC2):c.1663C>G (p.Arg555Gly)

Gene: TANC2 (tetratricopeptide repeat, ankyrin repeat and coiled-coil containing 2; plus strand). Cytogenetic location: 17q23.3.
Variant type: single nucleotide variant.
Coding change: c.1663C>G on transcript NM_001394998.1 (MANE Select); coding-DNA position 1663, C replaced by G.
Protein change: p.Arg555Gly; replaces arginine 555 with glycine.
Molecular consequence: missense variant.
Genome position (GRCh38, 1-based): chr17:63,340,188, C>G. VCF-style: chr17-63340188-C-G. GRCh37 (hg19) VCF-style: chr17-61417549-C-G.
Other names: c.1441C>G, p.Arg481Gly (NM_001411076.1, NM_025185.4); short protein forms R481G, R555G.
Identifiers: ClinVar variation 4293111 (VCV004293111.1).
Genomic context (GRCh38, chr17:63,340,188, plus strand): 5'-GATAATGCCTACACTTGCTTGGTGCCAGAATTTGTCCACAATGTTGCTGCCTTGCTCTGC[C>G]GCTCACCTCAGCTGACAGCCTATCGGGAGCAGCTTCTTCGGGAACCTCACCTGCAGAGCA-3'
Protein context (NP_001381927.1, residues 545-565): FVHNVAALLC[Arg555Gly]SPQLTAYREQ